The following is an entry in ClinVar:

NM_018089.3(ANKZF1):c.1100A>T (p.Lys367Ile)

Gene: ANKZF1 (ankyrin repeat and zinc finger peptidyl tRNA hydrolase 1; plus strand). Cytogenetic location: 2q35.
Variant type: single nucleotide variant.
Coding change: c.1100A>T on transcript NM_018089.3 (MANE Select); coding-DNA position 1100, A replaced by T.
Protein change: p.Lys367Ile; replaces lysine 367 with isoleucine.
Molecular consequence: missense variant.
Genome position (GRCh38, 1-based): chr2:219,234,184, A>T. VCF-style: chr2-219234184-A-T. GRCh37 (hg19) VCF-style: chr2-220098906-A-T.
Other names: p.Lys367Ile; c.1100A>T, p.Lys367Ile (NM_001042410.2); c.470A>T, p.Lys157Ile (NM_001282792.2); c.1100A>T (NM_018089.2); short protein forms K157I, K367I.
Identifiers: ClinVar variation 1439724 (VCV001439724.8), dbSNP rs774244687, ClinGen allele CA2120966.

ClinVar aggregate classification (germline): Uncertain significance. Review status: criteria provided, multiple submitters, no conflicts (2 of 4 stars). 3 submissions from 3 submitters: Uncertain significance (3). Last evaluated 2025-08-25.

Allele frequency attached by ClinVar (database versions not stated): gnomAD 0.00001.
gnomAD v4.1: 26 of 1,614,018 alleles (0.0016%); highest among the groups gnomAD compares: Non-Finnish European, 0.0022%; no homozygotes.

Submissions (3):

Ambry Genetics
Classification: Uncertain significance. Last evaluated: 2025-08-25. Review status: criteria provided, single submitter. Criteria: Ambry Variant Classification Scheme 2023. Collection method: clinical testing. Allele origin: germline.

Labcorp Genetics (formerly Invitae), Labcorp
Classification: Uncertain significance. Last evaluated: 2025-04-02. Review status: criteria provided, single submitter. Criteria: Invitae Variant Classification Sherloc (09022015). Collection method: clinical testing. Allele origin: germline.
Comment: This sequence change replaces lysine, which is basic and polar, with isoleucine, which is neutral and non-polar, at codon 367 of the ANKZF1 protein (p.Lys367Ile). This variant is present in population databases (rs774244687, gnomAD 0.005%). This variant has not been reported in the literature in individuals affected with ANKZF1-related conditions. ClinVar contains an entry for this variant (Variation ID: 1439724). An algorithm developed to predict the effect of missense changes on protein structure and function (PolyPhen-2) suggests that this variant is likely to be disruptive. In summary, the available evidence is currently insufficient to determine the role of this variant in disease. Therefore, it has been classified as a Variant of Uncertain Significance.

Mayo Clinic Laboratories, Mayo Clinic
Classification: Uncertain significance. Last evaluated: 2023-11-30. Review status: criteria provided, single submitter. Criteria: ACMG Guidelines, 2015. Collection method: clinical testing. Allele origin: germline. Observed: 1 variant allele.